The following is an entry in ClinVar:

NM_001042492.3(NF1):c.128T>A (p.Leu43Gln)

Gene: NF1 (neurofibromin 1; plus strand). Cytogenetic location: 17q11.2.
Variant type: single nucleotide variant.
Coding change: c.128T>A on transcript NM_001042492.3 (MANE Select); coding-DNA position 128, T replaced by A.
Protein change: p.Leu43Gln; replaces leucine 43 with glutamine.
Molecular consequence: missense variant.
Genome position (GRCh38, 1-based): chr17:31,156,050, T>A. VCF-style: chr17-31156050-T-A. GRCh37 (hg19) VCF-style: chr17-29483068-T-A.
Other names: c.128T>A, p.Leu43Gln (NM_000267.4, NM_001128147.3); short protein forms L43Q.
Identifiers: ClinVar variation 1482774 (VCV001482774.6), dbSNP rs1555604899, ClinGen allele CA398988393.
Genomic context (GRCh38, chr17:31,156,050, plus strand): 5'-TAAAAACAGGACAGCAGAACACACATACCAAAGTCAGTACTGAGCACAACAAGGAATGTC[T>A]AATCAATATTTCCAAATACAAGTTTTCTTTGGTTATAAGCGGCCTCACTACTATTTTAAA-3'
Protein context (NP_001035957.1, residues 33-53): KVSTEHNKEC[Leu43Gln]INISKYKFSL

ClinVar aggregate classification (germline): Likely pathogenic (1 of 4 stars; one submission).

Conditions:
Neurofibromatosis, type 1 (NF1). Also called: Neurofibromatosis, type I; VON RECKLINGHAUSEN DISEASE; NEUROFIBROMATOSIS, TYPE I, SOMATIC; Peripheral type neurofibromatosis. Identifiers: Orphanet 636, MedGen C0027831, MONDO:0018975, OMIM 162200. Disease mechanism: loss of function.

Submission:

Labcorp Genetics (formerly Invitae), Labcorp
Classification: Likely pathogenic for Neurofibromatosis, type 1. Last evaluated: 2024-10-05. Review status: criteria provided, single submitter. Criteria: Invitae Variant Classification Sherloc (09022015). Collection method: clinical testing. Allele origin: germline.
Comment: This sequence change replaces leucine, which is neutral and non-polar, with glutamine, which is neutral and polar, at codon 43 of the NF1 protein (p.Leu43Gln). This variant is not present in population databases (gnomAD no frequency). This variant has not been reported in the literature in individuals affected with NF1-related conditions. ClinVar contains an entry for this variant (Variation ID: 1482774). Invitae Evidence Modeling of protein sequence and biophysical properties (such as structural, functional, and spatial information, amino acid conservation, physicochemical variation, residue mobility, and thermodynamic stability) indicates that this missense variant is expected to disrupt NF1 protein function with a positive predictive value of 95%. This variant disrupts the p.Leu43 amino acid residue in NF1. Other variant(s) that disrupt this residue have been determined to be pathogenic (PMID: 28529006; internal data). This suggests that this residue is clinically significant, and that variants that disrupt this residue are likely to be disease-causing. In summary, the currently available evidence indicates that the variant is pathogenic, but additional data are needed to prove that conclusively. Therefore, this variant has been classified as Likely Pathogenic.

Literature cited by the submitters: PubMed 28529006.